The following is an entry in ClinVar:

NM_001283009.2(RTEL1):c.829G>C (p.Asp277His)

Genes: RTEL1 (regulator of telomere elongation helicase 1; plus strand), RTEL1-TNFRSF6B (RTEL1-TNFRSF6B readthrough (NMD candidate); plus strand). Cytogenetic location: 20q13.33.
Variant type: single nucleotide variant.
Coding change: c.829G>C on transcript NM_001283009.2 (MANE Select); coding-DNA position 829, G replaced by C.
Protein change: p.Asp277His; replaces aspartic acid 277 with histidine.
Molecular consequence: missense variant. On other transcripts: non-coding transcript variant (1).
Genome position (GRCh38, 1-based): chr20:63,674,003, G>C. VCF-style: chr20-63674003-G-C. GRCh37 (hg19) VCF-style: chr20-62305356-G-C.
Other names: c.160G>C, p.Asp54His (NM_001283010.1); c.829G>C, p.Asp277His (NM_016434.4); c.901G>C, p.Asp301His (NM_032957.5); short protein forms D277H, D301H, D54H.
Identifiers: ClinVar variation 3791050 (VCV003791050.1).

ClinVar aggregate classification (germline): Uncertain significance (1 of 4 stars; one submission).

Conditions:
Inborn genetic diseases. Identifiers: MedGen C0950123, MeSH D030342.

Submission:

Ambry Genetics
Classification: Uncertain significance for Inborn genetic diseases. Last evaluated: 2025-01-09. Review status: criteria provided, single submitter. Criteria: Ambry Variant Classification Scheme 2023. Collection method: clinical testing. Allele origin: germline.
Comment: The p.D277H variant (also known as c.829G>C), located in coding exon 9 of the RTEL1 gene, results from a G to C substitution at nucleotide position 829. The aspartic acid at codon 277 is replaced by histidine, an amino acid with similar properties. This amino acid position is conserved. In addition, this alteration is predicted to be tolerated by in silico analysis. Based on the available evidence, the clinical significance of this variant remains unclear.